The following is an entry in ClinVar:

ClinVar aggregate classification (germline): Uncertain significance. Review status: criteria provided, multiple submitters, no conflicts (2 of 4 stars). 5 submissions from 5 submitters: Uncertain significance (5). Last evaluated 2026-01-14.

Conditions:
DICER1-related tumor predisposition. Also called: DICER1-related pleuropulmonary blastoma cancer predisposition syndrome; DICER1 syndrome. Identifiers: Orphanet 284343, MedGen C3839822, MONDO:0100216.
Hereditary cancer-predisposing syndrome. Also called: Tumor predisposition; Neoplastic Syndromes, Hereditary; Hereditary Cancer Syndrome; Hereditary neoplastic syndrome. Identifiers: Orphanet 140162, MedGen C0027672, MeSH D009386, MONDO:0015356.

Allele frequency attached by ClinVar (database versions not stated): ExAC 0.00002; gnomAD 0.00002; gnomAD exomes 0.00002; TOPMed 0.00002.
gnomAD v4.1: 9 of 1,613,986 alleles (0.00056%); highest among the groups gnomAD compares: African/African-American, 0.0053%; no homozygotes.

Submissions (5):

Labcorp Genetics (formerly Invitae), Labcorp
Classification: Uncertain significance for DICER1-related tumor predisposition. Last evaluated: 2026-01-14. Review status: criteria provided, single submitter. Criteria: Invitae Variant Classification Sherloc (09022015). Collection method: clinical testing. Allele origin: germline.
Comment: This sequence change replaces isoleucine, which is neutral and non-polar, with valine, which is neutral and non-polar, at codon 1283 of the DICER1 protein (p.Ile1283Val). This variant is present in population databases (rs548255758, gnomAD 0.004%). This variant has not been reported in the literature in individuals affected with DICER1-related conditions. ClinVar contains an entry for this variant (Variation ID: 477167). Invitae Evidence Modeling of protein sequence and biophysical properties (such as structural, functional, and spatial information, amino acid conservation, physicochemical variation, residue mobility, and thermodynamic stability) indicates that this missense variant is not expected to disrupt DICER1 protein function with a negative predictive value of 95%. In summary, the available evidence is currently insufficient to determine the role of this variant in disease. Therefore, it has been classified as a Variant of Uncertain Significance.

Ambry Genetics
Classification: Uncertain significance for Hereditary cancer-predisposing syndrome. Last evaluated: 2024-09-22. Review status: criteria provided, single submitter. Criteria: Ambry Variant Classification Scheme 2023. Collection method: clinical testing. Allele origin: germline.
Comment: The p.I1283V variant (also known as c.3847A>G), located in coding exon 20 of the DICER1 gene, results from an A to G substitution at nucleotide position 3847. The isoleucine at codon 1283 is replaced by valine, an amino acid with highly similar properties. This amino acid position is poorly conserved in available vertebrate species. In addition, this alteration is predicted to be tolerated by in silico analysis. Since supporting evidence is limited at this time, the clinical significance of this alteration remains unclear.

GeneDx
Classification: Uncertain significance. Last evaluated: 2022-02-22. Review status: criteria provided, single submitter. Criteria: GeneDx Variant Classification Process June 2021. Collection method: clinical testing. Allele origin: germline. Affected: yes.
Comment: Not observed at significant frequency in large population cohorts (gnomAD); In silico analysis supports that this missense variant does not alter protein structure/function; Has not been previously published as pathogenic or benign to our knowledge

Sema4
Classification: Uncertain significance for Hereditary cancer-predisposing syndrome. Last evaluated: 2022-02-15. Review status: criteria provided, single submitter. Criteria: Sema4 Curation Guidelines. Collection method: curation. Allele origin: germline.
Comment: The DICER1 c.3847A>G (p.I1283V) variant has not been reported in the literature to our knowledge. It was observed in 5/282698 chromosomes across all populations in the large and broad cohorts of the Genome Aggregation Database (PMID: 32461654). The variant has been reported in ClinVar (Variation ID 477167). In silico tools suggest the impact of the variant on protein function is being though these predictions have not been confirmed by functional studies. The evidence is insufficient to meet ACMG/AMP criteria for classifying the variant as benign or pathogenic. Thus, the clinical significance of this variant is currently uncertain.

Institute for Clinical Genetics, University Hospital TU Dresden, University Hospital TU Dresden
Classification: Uncertain significance. Last evaluated: 2021-11-03. Review status: criteria provided, single submitter. Criteria: ACMG Guidelines, 2015. Collection method: clinical testing. Allele origin: germline.

NM_177438.3(DICER1):c.3847A>G (p.Ile1283Val)

Gene: DICER1 (dicer 1, ribonuclease III; minus strand). Cytogenetic location: 14q32.13.
Variant type: single nucleotide variant.
Coding change: c.3847A>G on transcript NM_177438.3 (MANE Select); coding-DNA position 3847, A replaced by G.
Protein change: p.Ile1283Val; replaces isoleucine 1283 with valine.
Molecular consequence: missense variant.
Genome position (GRCh38, 1-based): chr14:95,103,549, T>C on the plus strand (A>G on the coding strand, the complement: DICER1 is on the minus strand). VCF-style: chr14-95103549-T-C. GRCh37 (hg19) VCF-style: chr14-95569886-T-C.
Other names: c.3847A>G, p.Ile1283Val (NM_001195573.1, NM_001271282.3, NM_001291628.2 and 1 more transcripts); short protein forms I1283V.
Identifiers: ClinVar variation 477167 (VCV000477167.20), dbSNP rs548255758, ClinGen allele CA7330978.